The following is an entry in ClinVar:

NM_000274.4(OAT):c.974_975delinsTCTCTTATACACA (p.Gly325fs)

Gene: OAT (ornithine aminotransferase; minus strand). Cytogenetic location: 10q26.13.
Variant type: Indel.
Coding change: c.974_975delinsTCTCTTATACACA on transcript NM_000274.4 (MANE Select); coding-DNA positions 974 to 975, GC replaced by TCTCTTATACACA.
Protein change: p.Gly325fs; shifts the reading frame from glycine 325.
Molecular consequence: frameshift variant.
Genome position (GRCh38, 1-based): chr10:124,401,765-124,401,766, GC replaced by TGTGTATAAGAGA on the plus strand (GC replaced by TCTCTTATACACA on the coding strand, the reverse complement: OAT is on the minus strand). VCF-style: chr10-124401765-GC-TGTGTATAAGAGA. GRCh37 (hg19) VCF-style: chr10-126090334-GC-TGTGTATAAGAGA.
Other names: c.560_561delinsTCTCTTATACACA, p.Gly187fs (NM_001171814.2); c.974_975delinsTCTCTTATACACA, p.Gly325fs (NM_001322965.2, NM_001322966.2, NM_001322967.2 and 3 more transcripts); c.653_654delinsTCTCTTATACACA, p.Gly218fs (NM_001322971.2); c.374_375delinsTCTCTTATACACA, p.Gly125fs (NM_001322974.2); short protein forms G125fs, G187fs, G218fs, G325fs.
Identifiers: ClinVar variation 5010894 (VCV005010894.1).

ClinVar aggregate classification (germline): Pathogenic (1 of 4 stars; one submission).

Conditions:
Ornithine aminotransferase deficiency (GACR). Also called: HYPERORNITHINEMIA WITH GYRATE ATROPHY OF CHOROID AND RETINA; OAT DEFICIENCY; OKT DEFICIENCY; Ornithine ketoacid aminotransferase deficiency; Gyrate atrophy; Gyrate atrophy of choroid and retina. Identifiers: Orphanet 414, MedGen C0018425, MONDO:0009796, OMIM 258870.

Submission:

Myriad Genetics, Inc.
Classification: Pathogenic for Ornithine aminotransferase deficiency. Last evaluated: 2024-05-14. Review status: criteria provided, single submitter. Criteria: Myriad Autosomal Dominant, Autosomal Recessive and X-Linked Classification Criteria (2023). Collection method: clinical testing. Allele origin: unknown.
Comment: NM_000274.3(OAT):c.974_975del2ins13(G325Vfs*8) is expected to be pathogenic in the context of ornithine aminotransferase deficiency. This variant is predicted to lead to an abnormal or absent protein product due to the creation of a premature termination codon in OAT, a gene where loss-of-function variants are known to be pathogenic. Please note: this variant was assessed in the context of healthy population screening.